The following is an entry in ClinVar:

ClinVar aggregate classification (germline): Uncertain significance (1 of 4 stars; one submission).

Conditions:
RASopathy. Also called: rasopathies; Noonan spectrum disorder. Identifiers: Orphanet 536391, MedGen C5555857, MONDO:0021060.

Submission:

Labcorp Genetics (formerly Invitae), Labcorp
Classification: Uncertain significance for RASopathy. Last evaluated: 2026-01-22. Review status: criteria provided, single submitter. Criteria: Invitae Variant Classification Sherloc (09022015). Collection method: clinical testing. Allele origin: germline.
Comment: This sequence change replaces serine, which is neutral and polar, with threonine, which is neutral and polar, at codon 22 of the CBL protein (p.Ser22Thr). This variant is not present in population databases (gnomAD no frequency). This variant has not been reported in the literature in individuals affected with CBL-related conditions. Invitae Evidence Modeling of protein sequence and biophysical properties (such as structural, functional, and spatial information, amino acid conservation, physicochemical variation, residue mobility, and thermodynamic stability) indicates that this missense variant is not expected to disrupt CBL protein function with a negative predictive value of 95%. In summary, the available evidence is currently insufficient to determine the role of this variant in disease. Therefore, it has been classified as a Variant of Uncertain Significance.

NM_005188.4(CBL):c.64T>A (p.Ser22Thr)

Genes: CBL (Cbl proto-oncogene; plus strand), LOC130006895 (ATAC-STARR-seq lymphoblastoid silent region 3975; plus strand). Cytogenetic location: 11q23.3.
Variant type: single nucleotide variant.
Coding change: c.64T>A on transcript NM_005188.4 (MANE Select); coding-DNA position 64, T replaced by A.
Protein change: p.Ser22Thr; replaces serine 22 with threonine.
Molecular consequence: missense variant.
Genome position (GRCh38, 1-based): chr11:119,206,481, T>A. VCF-style: chr11-119206481-T-A. GRCh37 (hg19) VCF-style: chr11-119077191-T-A.
Other names: short protein forms S22T.
Identifiers: ClinVar variation 4800594 (VCV004800594.1).